The following is an entry in ClinVar:

NM_001170698.2(SPATA22):c.915G>A (p.Pro305=)

Gene: SPATA22 (spermatogenesis associated 22; minus strand). Cytogenetic location: 17p13.2.
Variant type: single nucleotide variant.
Coding change: c.915G>A on transcript NM_001170698.2 (MANE Select); coding-DNA position 915, G replaced by A.
Protein change: p.Pro305=; no amino-acid change (proline 305 retained).
Molecular consequence: synonymous variant. On other transcripts: 3 prime UTR variant (1).
Genome position (GRCh38, 1-based): chr17:3,440,324, C>T on the plus strand (G>A on the coding strand, the complement: SPATA22 is on the minus strand). VCF-style: chr17-3440324-C-T. GRCh37 (hg19) VCF-style: chr17-3343618-C-T.
Other names: c.786G>A, p.Pro262= (NM_001170696.2); c.915G>A, p.Pro305= (NM_001170697.2, NM_001321337.2, NM_032598.5 and 1 more transcripts); c.*7G>A (NM_001170699.2); c.867G>A, p.Pro289= (NM_001321336.2).
Identifiers: ClinVar variation 2647233 (VCV002647233.24), dbSNP rs141991199, ClinGen allele CA8288536.

ClinVar aggregate classification (germline): Likely benign (1 of 4 stars; one submission).

Allele frequency attached by ClinVar (database versions not stated): TOPMed 0.00025; ESP Exome Variant Server 0.00038; gnomAD 0.00039; ExAC 0.00051.
gnomAD v4.1: 561 of 1,514,108 alleles (0.037%); highest among the groups gnomAD compares: Non-Finnish European, 0.045%; no homozygotes.

Submission:

CeGaT Center for Human Genetics Tuebingen
Classification: Likely benign. Last evaluated: 2022-06-01. Review status: criteria provided, single submitter. Criteria: CeGaT Center For Human Genetics Tuebingen Variant Classification Criteria Version 2. Collection method: clinical testing. Allele origin: germline. Affected: yes. Observed: 1 variant allele.
Comment: SPATA22: BP4, BP7